The following is an entry in ClinVar:

NM_018406.7(MUC4):c.4131T>G (p.Leu1377=)

Gene: MUC4 (mucin 4, cell surface associated). Cytogenetic location: 3q29.
Variant type: single nucleotide variant.
Coding change: c.4131T>G on transcript NM_018406.7 (MANE Select); coding-DNA position 4131, T replaced by G.
Protein change: p.Leu1377=; no amino-acid change (leucine 1377 retained).
Molecular consequence: synonymous variant. On other transcripts: intron variant (2).
Genome position (GRCh38, 1-based): chr3:195,787,449, A>C on the plus strand (T>G on the coding strand, the complement: MUC4 is on the minus strand). VCF-style: chr3-195787449-A-C. GRCh37 (hg19) VCF-style: chr3-195514320-A-C.
Other names: c.83-13144T>G (NM_138297.5); c.83-8994T>G (NM_004532.6).
Identifiers: ClinVar variation 4533794 (VCV004533794.6).

ClinVar aggregate classification (germline): Likely benign (1 of 4 stars; one submission).

Submission:

CeGaT Center for Human Genetics Tuebingen
Classification: Likely benign. Last evaluated: 2026-07-01. Review status: criteria provided, single submitter. Criteria: CeGaT Center For Human Genetics Tuebingen Variant Classification Criteria Version 2. Collection method: clinical testing. Allele origin: germline. Affected: yes. Observed: 4 variant alleles.
Comment: MUC4: BP4, BP7